The following is an entry in ClinVar:

ClinVar aggregate classification (germline): Uncertain significance. Review status: criteria provided, multiple submitters, no conflicts (2 of 4 stars). 5 submissions from 4 submitters: Uncertain significance (5). Last evaluated 2026-08-06.

Conditions:
ATR-related disorder. Also called: ATR-related condition.
Inborn genetic diseases. Identifiers: MedGen C0950123, MeSH D030342.
Seckel syndrome 1 (SCKL1). Also called: MICROCEPHALIC PRIMORDIAL DWARFISM I. Identifiers: Orphanet 808, MedGen C4551474, MONDO:0008869, OMIM 210600.
Familial cutaneous telangiectasia and oropharyngeal predisposition cancer syndrome. Identifiers: Orphanet 313846, MedGen C3281203, MONDO:0013806, OMIM 614564.

gnomAD v4.1: 10 of 1,613,418 alleles (0.00062%); highest among the groups gnomAD compares: African/African-American, 0.0013%; no homozygotes.

Submissions (5):

PreventionGenetics, part of Exact Sciences
Classification: Uncertain significance for ATR-related condition. Last evaluated: 2026-08-06. Review status: criteria provided, single submitter. Criteria: ACMG Guidelines, 2015. Collection method: clinical testing. Allele origin: germline.
Comment: The ATR c.4792G>T variant is predicted to result in the amino acid substitution p.Ala1598Ser. To our knowledge, this variant has not been reported in the literature. This variant is reported in 0.0018% of alleles in individuals of European (Non-Finnish) descent in gnomAD. At this time, the clinical significance of this variant is uncertain due to the absence of conclusive functional and genetic evidence.

Labcorp Genetics (formerly Invitae), Labcorp
Classification: Uncertain significance. Last evaluated: 2025-12-22. Review status: criteria provided, single submitter. Criteria: Invitae Variant Classification Sherloc (09022015). Collection method: clinical testing. Allele origin: germline.
Comment: This sequence change replaces alanine, which is neutral and non-polar, with serine, which is neutral and polar, at codon 1598 of the ATR protein (p.Ala1598Ser). This variant is present in population databases (rs187734529, gnomAD 0.0009%). This variant has not been reported in the literature in individuals affected with ATR-related conditions. ClinVar contains an entry for this variant (Variation ID: 1366441). An algorithm developed to predict the effect of missense changes on protein structure and function (PolyPhen-2) suggests that this variant is likely to be tolerated. In summary, the available evidence is currently insufficient to determine the role of this variant in disease. Therefore, it has been classified as a Variant of Uncertain Significance.

Genome-Nilou Lab
Classification: Uncertain significance for Seckel syndrome 1. Last evaluated: 2023-02-08. Review status: criteria provided, single submitter. Criteria: ACMG Guidelines, 2015. Collection method: clinical testing. Allele origin: germline.

Genome-Nilou Lab
Classification: Uncertain significance for Familial cutaneous telangiectasia and oropharyngeal predisposition cancer syndrome. Last evaluated: 2023-02-08. Review status: criteria provided, single submitter. Criteria: ACMG Guidelines, 2015. Collection method: clinical testing. Allele origin: germline.

Ambry Genetics
Classification: Uncertain significance for Inborn genetic diseases. Last evaluated: 2021-09-30. Review status: criteria provided, single submitter. Criteria: Ambry Variant Classification Scheme 2023. Collection method: clinical testing. Allele origin: germline.
Comment: The p.A1598S variant (also known as c.4792G>T), located in coding exon 27 of the ATR gene, results from a G to T substitution at nucleotide position 4792. The alanine at codon 1598 is replaced by serine, an amino acid with similar properties. This amino acid position is conserved. In addition, this alteration is predicted to be tolerated by in silico analysis. Since supporting evidence is limited at this time, the clinical significance of this alteration remains unclear.

NM_001184.4(ATR):c.4792G>T (p.Ala1598Ser)

Gene: ATR (ATR checkpoint kinase; minus strand). Cytogenetic location: 3q23.
Variant type: single nucleotide variant.
Coding change: c.4792G>T on transcript NM_001184.4 (MANE Select); coding-DNA position 4792, G replaced by T.
Protein change: p.Ala1598Ser; replaces alanine 1598 with serine.
Molecular consequence: missense variant.
Genome position (GRCh38, 1-based): chr3:142,512,320, C>A on the plus strand (G>T on the coding strand, the complement: ATR is on the minus strand). VCF-style: chr3-142512320-C-A. GRCh37 (hg19) VCF-style: chr3-142231162-C-A.
Other names: c.4600G>T, p.Ala1534Ser (NM_001354579.2); short protein forms A1534S, A1598S.
Identifiers: ClinVar variation 1366441 (VCV001366441.9), dbSNP rs187734529, ClinGen allele CA2649768.
Genomic context (GRCh38, chr3:142,512,320, plus strand): 5'-CCATTGAGTCTACCTTATTTCTGTTTGATTTGCTGTGTGGACATTTCTCAGCTTTCAGTG[C>A]CTGAAATTTGTGCCTTGCCCACTGTGTGAGATGGTCAAGCATGGAGAACACAGTCTGTGT-3'
Protein context (NP_001175.2, residues 1588-1608): LTQWARHKFQ[Ala1598Ser]LKAEKCPHSK